The following is an entry in ClinVar:

ClinVar aggregate classification (germline): Benign/Likely benign. Review status: criteria provided, multiple submitters, no conflicts (2 of 4 stars). 2 submissions from 2 submitters: Benign (1); Likely benign (1). Last evaluated 2025-11-28.

Conditions:
FOXC2-related disorder. Also called: FOXC2-related condition.

Allele frequency attached by ClinVar (database versions not stated): TOPMed 0.00019; 1000 Genomes Project 30x 0.00031; 1000 Genomes Project 0.00040; gnomAD exomes 0.00076; gnomAD 0.00141; ExAC 0.00291.
gnomAD v4.1: 1,273 of 1,543,686 alleles (0.082%); highest among the groups gnomAD compares: South Asian, 0.095%; 6 homozygotes.

Submissions (2):

Labcorp Genetics (formerly Invitae), Labcorp
Classification: Benign. Last evaluated: 2025-11-28. Review status: criteria provided, single submitter. Criteria: Invitae Variant Classification Sherloc (09022015). Collection method: clinical testing. Allele origin: germline.

PreventionGenetics, part of Exact Sciences
Classification: Likely benign for FOXC2-related condition. Last evaluated: 2025-09-05. Review status: criteria provided, single submitter. Criteria: ACMG Guidelines, 2015. Collection method: clinical testing. Allele origin: germline.
Comment: This variant is classified as likely benign based on ACMG/AMP sequence variant interpretation guidelines (Richards et al. 2015 PMID: 25741868, with internal and published modifications).

NM_005251.3(FOXC2):c.627G>A (p.Lys209=)

Gene: FOXC2 (forkhead box C2; plus strand). Cytogenetic location: 16q24.1.
Variant type: single nucleotide variant.
Coding change: c.627G>A on transcript NM_005251.3 (MANE Select); coding-DNA position 627, G replaced by A.
Protein change: p.Lys209=; no amino-acid change (lysine 209 retained).
Molecular consequence: synonymous variant.
Genome position (GRCh38, 1-based): chr16:86,567,962, G>A. VCF-style: chr16-86567962-G-A. GRCh37 (hg19) VCF-style: chr16-86601568-G-A.
Other names: c.627G>A (NM_005251.2).
Identifiers: ClinVar variation 2871659 (VCV002871659.4), dbSNP rs199935844, ClinGen allele CA8218380.